The following is an entry in ClinVar:

NC_012920.1(MT-ND4):m.11696G>A

Gene: MT-ND4 (mitochondrially encoded NADH dehydrogenase 4; plus strand).
Variant type: single nucleotide variant.
Genome position: chrM-11696-G-A.
Other names: V312I.
Identifiers: ClinVar variation 9710 (VCV000009710.5), dbSNP rs200873900, ClinGen allele CA120635.
Genomic context (GRCh38, chrMT:11,696, plus strand): 5'-CACATAGCCCTCGTAGTAACAGCCATTCTCATCCAAACCCCCTGAAGCTTCACCGGCGCA[G>A]TCATTCTCATAATCGCCCACGGGCTTACATCCTCATTACTATTCTGCCTAGCAAACTCAA-3'

ClinVar aggregate classification (germline): Benign. Review status: criteria provided, single submitter (1 of 4 stars). 3 submissions from 3 submitters: Benign (1). 2 of the submissions do not count toward it. Last evaluated 2019-10-17.

Conditions:
Leber optic atrophy (LHON). Also called: Leber hereditary optic neuropathy; Leber's disease; Leber's optic atrophy; Optic Atrophy, Hereditary, Leber. Identifiers: Orphanet 104, MedGen C0917796, MONDO:0010788, OMIM 535000, HP:0001112.
Leber optic atrophy and dystonia. Also called: MARSDEN SYNDROME; LHON and dystonia; Dystonia familial, with visual failure and striatal lucencies; Leber's hereditary optic neuropathy with dystonia. Identifiers: Orphanet 99718, MedGen C1839040, MONDO:0010772, OMIM 500001.
Leigh syndrome (NULS). Also called: Leigh's syndrome; Leigh Disease; Leigh's necrotizing encephalopathy; Leigh's disease; Subacute necrotizing encephalopathy; Necrotizing encephalopathy infantile subacute of Leigh. Identifiers: Orphanet 506, MedGen C2931891, MONDO:0009723, OMIM 256000.

Submissions (3):

Wong Mito Lab, Molecular and Human Genetics, Baylor College of Medicine
Classification: Benign for Leigh syndrome. Last evaluated: 2019-10-17. Review status: criteria provided, single submitter. Criteria: Modified ACMG Guidelines (Unpublished). Collection method: clinical testing. Allele origin: germline.
Comment: The NC_012920.1:m.11696G>A (YP_003024035.1:p.Val313Ile) variant in MTND4 gene is interpretated to be a Benign variant based on the modified ACMG guidelines (unpublished). This variant meets the following evidence codes: BA1

OMIM
Classification: Pathogenic for LEBER OPTIC ATROPHY AND DYSTONIA. Last evaluated: 2003-04-22. Review status: no assertion criteria provided. Collection method: literature only. Allele origin: germline. Not counted in ClinVar's aggregate classification.

GeneReviews
No classification provided. Condition: Leber optic atrophy. Review status: no classification provided. Collection method: literature only. Allele origin: maternal. Not counted in ClinVar's aggregate classification.

Literature cited by the submitters: PubMed 1469456 (cited by OMIM); PubMed 12707444 (cited by OMIM); PubMed 30143805 (cited by GeneReviews); PubMed 20301353 (cited by GeneReviews).